The following is an entry in ClinVar:

NM_004946.3(DOCK2):c.5017C>T (p.Pro1673Ser)

Gene: DOCK2 (dedicator of cytokinesis 2; plus strand). Cytogenetic location: 5q35.1.
Variant type: single nucleotide variant.
Coding change: c.5017C>T on transcript NM_004946.3 (MANE Select); coding-DNA position 5017, C replaced by T.
Protein change: p.Pro1673Ser; replaces proline 1673 with serine.
Molecular consequence: missense variant. On other transcripts: non-coding transcript variant (1).
Genome position (GRCh38, 1-based): chr5:170,078,997, C>T. VCF-style: chr5-170078997-C-T. GRCh37 (hg19) VCF-style: chr5-169506001-C-T.
Other names: short protein forms P1673S.
Identifiers: ClinVar variation 1912154 (VCV001912154.5), dbSNP rs1757932890, ClinGen allele CA362116146.
Genomic context (GRCh38, chr5:170,078,997, plus strand): 5'-TAACTGCAGTTTCTATTGCTGCCCCTCTGGCCTTTCAGCTTTGACCTGGAATTAGCATCA[C>T]CCAAGACGCCGAGAGTGGAGCAGGAGGAACCGATCTCCCCGGGGAGCACCCTGCCTGAGG-3'
Protein context (NP_004937.1, residues 1663-1683): SESFDLELAS[Pro1673Ser]KTPRVEQEEP

ClinVar aggregate classification (germline): Uncertain significance (1 of 4 stars; one submission).

Conditions:
DOCK2 deficiency. Also called: Immunodeficiency 40. Identifiers: Orphanet 447737, MedGen C4225328, MONDO:0014637, OMIM 616433.

Allele frequency attached by ClinVar (database versions not stated): gnomAD exomes below 0.00001.
gnomAD v4.1: 2 of 1,614,106 alleles (0.00012%); highest among the groups gnomAD compares: Non-Finnish European, 0.00017%; no homozygotes.

Submission:

Labcorp Genetics (formerly Invitae), Labcorp
Classification: Uncertain significance for DOCK2 deficiency. Last evaluated: 2023-12-06. Review status: criteria provided, single submitter. Criteria: Invitae Variant Classification Sherloc (09022015). Collection method: clinical testing. Allele origin: germline.
Comment: This sequence change replaces proline, which is neutral and non-polar, with serine, which is neutral and polar, at codon 1673 of the DOCK2 protein (p.Pro1673Ser). This variant is not present in population databases (gnomAD no frequency). This variant has not been reported in the literature in individuals affected with DOCK2-related conditions. ClinVar contains an entry for this variant (Variation ID: 1912154). An algorithm developed to predict the effect of missense changes on protein structure and function (PolyPhen-2) suggests that this variant is likely to be tolerated. In summary, the available evidence is currently insufficient to determine the role of this variant in disease. Therefore, it has been classified as a Variant of Uncertain Significance.